The following is an entry in ClinVar:

ClinVar aggregate classification (germline): Uncertain significance (1 of 4 stars; one submission).

Submission:

GeneDx
Classification: Uncertain significance. Last evaluated: 2019-04-23. Review status: criteria provided, single submitter. Criteria: GeneDx Variant Classification Process June 2021. Collection method: clinical testing. Allele origin: germline. Affected: yes.
Comment: Has not been previously published as pathogenic or benign to our knowledge; Not observed in large population cohorts (Lek et al., 2016); In silico analysis, which includes protein predictors and evolutionary conservation, supports a deleterious effect

NM_002948.5(RPL15):c.87G>T (p.Gln29His)

Genes: NKIRAS1 (NFKB inhibitor interacting Ras like 1; minus strand), RPL15 (ribosomal protein L15; plus strand). Cytogenetic location: 3p24.2.
Variant type: single nucleotide variant.
Coding change: c.87G>T on transcript NM_002948.5 (MANE Select); coding-DNA position 87, G replaced by T.
Protein change: p.Gln29His; replaces glutamine 29 with histidine.
Molecular consequence: missense variant. On other transcripts: intron variant (1).
Genome position (GRCh38, 1-based): chr3:23,917,946, G>T. VCF-style: chr3-23917946-G-T. GRCh37 (hg19) VCF-style: chr3-23959437-G-T.
Other names: c.-139-6496C>A (NM_001377380.1); c.87G>T, p.Gln29His (NM_001253379.2, NM_001253380.2, NM_001253382.2 and 2 more transcripts); short protein forms Q29H.
Identifiers: ClinVar variation 1305196 (VCV001305196.4), dbSNP rs2125251133, ClinGen allele CA351881278.